The following is an entry in ClinVar:

NM_021930.6(RINT1):c.1499C>G (p.Ser500Cys)

Gene: RINT1 (RAD50 interactor 1; plus strand). Cytogenetic location: 7q22.3.
Variant type: single nucleotide variant.
Coding change: c.1499C>G on transcript NM_021930.6 (MANE Select); coding-DNA position 1499, C replaced by G.
Protein change: p.Ser500Cys; replaces serine 500 with cysteine.
Molecular consequence: missense variant.
Genome position (GRCh38, 1-based): chr7:105,555,055, C>G. VCF-style: chr7-105555055-C-G. GRCh37 (hg19) VCF-style: chr7-105195502-C-G.
Other names: c.1265C>G, p.Ser422Cys (NM_001346599.2); c.476C>G, p.Ser159Cys (NM_001346600.2, NM_001346603.2); c.575C>G, p.Ser192Cys (NM_001346601.2); short protein forms S500C, S159C, S422C, S192C.
Identifiers: ClinVar variation 4154594 (VCV004154594.1).

ClinVar aggregate classification (germline): Uncertain significance (1 of 4 stars; one submission).

Submission:

Ambry Genetics
Classification: Uncertain significance. Last evaluated: 2025-06-17. Review status: criteria provided, single submitter. Criteria: Ambry Variant Classification Scheme 2023. Collection method: clinical testing. Allele origin: germline.
Comment: The p.S500C variant (also known as c.1499C>G), located in coding exon 11 of the RINT1 gene, results from a C to G substitution at nucleotide position 1499. The serine at codon 500 is replaced by cysteine, an amino acid with dissimilar properties. This amino acid position is conserved. In addition, this alteration is predicted to be tolerated by in silico analysis. Based on the available evidence, the clinical significance of this variant remains unclear.